The following is an entry in ClinVar:

NM_003322.6(TULP1):c.718+2T>C

Gene: TULP1 (TUB like protein 1; minus strand). Cytogenetic location: 6p21.31.
Variant type: single nucleotide variant.
Coding change: c.718+2T>C on transcript NM_003322.6 (MANE Select); the canonical splice donor site of the intron after coding-DNA position 718, T replaced by C.
Molecular consequence: splice donor variant.
Genome position (GRCh38, 1-based): chr6:35,509,632, A>G on the plus strand (T>C on the coding strand, the complement: TULP1 is on the minus strand). VCF-style: chr6-35509632-A-G. GRCh37 (hg19) VCF-style: chr6-35477409-A-G.
Other names: IVS7DS, T-C, +2; c.559+2T>C (NM_001289395.2).
Identifiers: ClinVar variation 7365 (VCV000007365.6), dbSNP rs1581742970, ClinGen allele CA363781586.

ClinVar aggregate classification (germline): Pathogenic. Review status: criteria provided, multiple submitters, no conflicts (2 of 4 stars). 4 submissions from 4 submitters: Pathogenic (3). 1 of the submissions does not count toward it. Last evaluated 2023-12-20.

Conditions:
TULP1-related disorder. Also called: TULP1-related disorders; TULP1-related condition.
Retinitis pigmentosa 14 (RP14). Also called: RETINITIS PIGMENTOSA, JUVENILE, TULP1-RELATED. Identifiers: Orphanet 791, MedGen C1838603, MONDO:0010827, OMIM 600132.
Retinal dystrophy. Also called: Inherited retinal dystrophy. Identifiers: Orphanet 71862, MedGen C0854723, MeSH D058499, MONDO:0019118, HP:0000556.

Submissions (4):

Blueprint Genetics
Classification: Pathogenic for TULP1-related disorders. Last evaluated: 2023-12-20. Review status: criteria provided, single submitter. Criteria: ACMG Guidelines, 2015. Collection method: clinical testing. Allele origin: germline. Affected: yes. Observed: 3 variant alleles.

Labcorp Genetics (formerly Invitae), Labcorp
Classification: Pathogenic. Last evaluated: 2023-09-09. Review status: criteria provided, single submitter. Criteria: Invitae Variant Classification Sherloc (09022015). Collection method: clinical testing. Allele origin: germline.
Comment: This sequence change affects a donor splice site in intron 7 of the TULP1 gene. It is expected to disrupt RNA splicing. Variants that disrupt the donor or acceptor splice site typically lead to a loss of protein function (PMID: 16199547), and loss-of-function variants in TULP1 are known to be pathogenic (PMID: 8606774, 10549638, 15024725, 18055821). This variant is not present in population databases (gnomAD no frequency). Disruption of this splice site has been observed in individuals with retinitis pigmentosa (PMID: 18055821). ClinVar contains an entry for this variant (Variation ID: 7365). Algorithms developed to predict the effect of sequence changes on RNA splicing suggest that this variant may disrupt the consensus splice site. For these reasons, this variant has been classified as Pathogenic.

Institute of Human Genetics, Univ. Regensburg, Univ. Regensburg
Classification: Pathogenic for Retinal dystrophy. Last evaluated: 2013-01-01. Review status: criteria provided, single submitter. Criteria: ACMG Guidelines, 2015. Collection method: clinical testing. Allele origin: germline. Affected: yes.

OMIM
Classification: Pathogenic for RETINITIS PIGMENTOSA, JUVENILE, TULP1-RELATED. Last evaluated: 2007-12-01. Review status: no assertion criteria provided. Collection method: literature only. Allele origin: germline. Not counted in ClinVar's aggregate classification.

Literature cited by the submitters: PubMed 16199547 (cited by Labcorp Genetics (formerly Invitae), Labcorp); PubMed 8606774 (cited by Labcorp Genetics (formerly Invitae), Labcorp); PubMed 10549638 (cited by Labcorp Genetics (formerly Invitae), Labcorp); PubMed 15024725 (cited by Labcorp Genetics (formerly Invitae), Labcorp); PubMed 18055821 (cited by 3 submitters); PubMed 2552515 (cited by Institute of Human Genetics, Univ. Regensburg, Univ. Regensburg).